The following is an entry in ClinVar:

ClinVar aggregate classification (germline): Conflicting classifications of pathogenicity. Review status: criteria provided, conflicting classifications (1 of 4 stars). 6 submissions from 6 submitters: Pathogenic (2); Likely pathogenic (1); Uncertain significance (1). 2 of the submissions do not count toward it. Last evaluated 2024-05-18.

Conditions:
Inborn genetic diseases. Identifiers: MedGen C0950123, MeSH D030342.
Intellectual developmental disorder with dysmorphic facies and behavioral abnormalities. Identifiers: MedGen C4748135, MONDO:0060760, OMIM 618089.
Neurodevelopmental disorder. Identifiers: MedGen C1535926, MeSH D065886, MONDO:0700092.

Submissions (6):

Labcorp Genetics (formerly Invitae), Labcorp
Classification: Pathogenic. Last evaluated: 2024-05-18. Review status: criteria provided, single submitter. Criteria: Invitae Variant Classification Sherloc (09022015). Collection method: clinical testing. Allele origin: germline.
Comment: This sequence change replaces serine, which is neutral and polar, with proline, which is neutral and non-polar, at codon 840 of the FBXO11 protein (p.Ser840Pro). This variant is not present in population databases (gnomAD no frequency). This missense change has been observed in individual(s) with FBXO11-related conditions (PMID: 30057029). In at least one individual the variant was observed to be de novo. ClinVar contains an entry for this variant (Variation ID: 559602). An algorithm developed to predict the effect of missense changes on protein structure and function (PolyPhen-2) suggests that this variant is likely to be disruptive. Experimental studies have shown that this missense change affects FBXO11 function (PMID: 34505148). For these reasons, this variant has been classified as Pathogenic.

CeGaT Center for Human Genetics Tuebingen
Classification: Likely pathogenic. Last evaluated: 2022-07-01. Review status: criteria provided, single submitter. Criteria: CeGaT Center For Human Genetics Tuebingen Variant Classification Criteria Version 2. Collection method: clinical testing. Allele origin: germline. Affected: yes. Observed: 1 variant allele.
Comment: FBXO11: PM1, PM2, PP2, PP3, PS2:Supporting, PS4:Supporting

Institute for Clinical Genetics, University Hospital TU Dresden, University Hospital TU Dresden
Classification: Pathogenic. Last evaluated: 2021-11-03. Review status: criteria provided, single submitter. Criteria: ACMG Guidelines, 2015. Collection method: clinical testing. Allele origin: germline.

Ambry Genetics
Classification: Uncertain significance for Inborn genetic diseases. Last evaluated: 2018-10-11. Review status: criteria provided, single submitter. Criteria: Ambry exome assertion method (8-5-2015). Collection method: clinical testing. Allele origin: germline. Affected: yes. Observed: 1 variant allele.

OMIM
Classification: Pathogenic for INTELLECTUAL DEVELOPMENTAL DISORDER WITH DYSMORPHIC FACIES AND BEHAVIORAL ABNORMALITIES. Last evaluated: 2018-08-17. Review status: no assertion criteria provided. Collection method: literature only. Allele origin: germline. Not counted in ClinVar's aggregate classification.

University of Washington Center for Mendelian Genomics, University of Washington
Classification: Likely pathogenic for Neurodevelopmental Disorder. Review status: no assertion criteria provided. Collection method: research. Allele origin: de novo. Affected: yes. Not counted in ClinVar's aggregate classification.

Literature cited by the submitters: PubMed 30057029 (cited by 4 submitters); PubMed 34505148 (cited by Labcorp Genetics (formerly Invitae), Labcorp); PubMed 28691247 (cited by Ambry Genetics).

NM_001190274.2(FBXO11):c.2518T>C (p.Ser840Pro)

Genes: FBXO11 (F-box protein 11; minus strand), MSH6 (mutS homolog 6; plus strand). Cytogenetic location: 2p16.3.
Variant type: single nucleotide variant.
Coding change: c.2518T>C on transcript NM_001190274.2 (MANE Select); coding-DNA position 2518, T replaced by C.
Protein change: p.Ser840Pro; replaces serine 840 with proline.
Molecular consequence: missense variant.
Genome position (GRCh38, 1-based): chr2:47,809,195, A>G on the plus strand (T>C on the coding strand, the complement: FBXO11 is on the minus strand). VCF-style: chr2-47809195-A-G. GRCh37 (hg19) VCF-style: chr2-48036334-A-G.
Other names: c.2266T>C, p.Ser756Pro (NM_001374325.1, NM_025133.4); short protein forms S840P, S756P.
Identifiers: ClinVar variation 559602 (VCV000559602.40), dbSNP rs1553335247, ClinGen allele CA346762439.